The following is an entry in ClinVar:

ClinVar aggregate classification (germline): Uncertain significance (1 of 4 stars; one submission).

Conditions:
Pyridoxine-dependent epilepsy (EPEO4). Also called: Pyridoxine-Dependent Epilepsy - ALDH7A1; EPILEPSY, EARLY-ONSET, 4, VITAMIN B6-DEPENDENT; PYRIDOXINE DEPENDENCY WITH SEIZURES; Pyridoxine-Dependent Seizures. Identifiers: Orphanet 3006, MedGen C1849508, MONDO:0009945, OMIM 266100. Disease mechanism: loss of function.

Allele frequency attached by ClinVar (database versions not stated): ExAC below 0.00001.
gnomAD v4.1: 3 of 1,570,896 alleles (0.00019%); highest among the groups gnomAD compares: African/African-American, 0.0027%; no homozygotes.

Submission:

Labcorp Genetics (formerly Invitae), Labcorp
Classification: Uncertain significance for Pyridoxine-dependent epilepsy. Last evaluated: 2022-07-25. Review status: criteria provided, single submitter. Criteria: Invitae Variant Classification Sherloc (09022015). Collection method: clinical testing. Allele origin: germline.
Comment: ClinVar contains an entry for this variant (Variation ID: 853001). This variant has not been reported in the literature in individuals affected with ALDH7A1-related conditions. This variant is present in population databases (rs1049217, gnomAD 0.01%). This sequence change replaces tryptophan, which is neutral and slightly polar, with cysteine, which is neutral and slightly polar, at codon 22 of the ALDH7A1 protein (p.Trp22Cys). Advanced modeling of protein sequence and biophysical properties (such as structural, functional, and spatial information, amino acid conservation, physicochemical variation, residue mobility, and thermodynamic stability) performed at Invitae indicates that this missense variant is not expected to disrupt ALDH7A1 protein function. In summary, the available evidence is currently insufficient to determine the role of this variant in disease. Therefore, it has been classified as a Variant of Uncertain Significance.

NM_001182.5(ALDH7A1):c.66G>C (p.Trp22Cys)

Gene: ALDH7A1 (aldehyde dehydrogenase 7 family member A1; minus strand). Cytogenetic location: 5q23.2.
Variant type: single nucleotide variant.
Coding change: c.66G>C on transcript NM_001182.5 (MANE Select); coding-DNA position 66, G replaced by C.
Protein change: p.Trp22Cys; replaces tryptophan 22 with cysteine.
Molecular consequence: missense variant. On other transcripts: 5 prime UTR variant (1).
Genome position (GRCh38, 1-based): chr5:126,595,133, C>G on the plus strand (G>C on the coding strand, the complement: ALDH7A1 is on the minus strand). VCF-style: chr5-126595133-C-G. GRCh37 (hg19) VCF-style: chr5-125930825-C-G.
Other names: c.-19G>C (NM_001201377.2); c.66G>C, p.Trp22Cys (NM_001202404.2); short protein forms W22C.
Identifiers: ClinVar variation 853001 (VCV000853001.10), dbSNP rs1049217, ClinGen allele CA3389932.